The following is an entry in ClinVar:

NM_022552.5(DNMT3A):c.2707G>T (p.Ala903Ser)

Gene: DNMT3A (DNA methyltransferase 3 alpha; minus strand). Cytogenetic location: 2p23.3.
Variant type: single nucleotide variant.
Coding change: c.2707G>T on transcript NM_022552.5 (MANE Select); coding-DNA position 2707, G replaced by T.
Protein change: p.Ala903Ser; replaces alanine 903 with serine.
Molecular consequence: missense variant. On other transcripts: non-coding transcript variant (1).
Genome position (GRCh38, 1-based): chr2:25,234,311, C>A on the plus strand (G>T on the coding strand, the complement: DNMT3A is on the minus strand). VCF-style: chr2-25234311-C-A. GRCh37 (hg19) VCF-style: chr2-25457180-C-A.
Other names: c.2251G>T, p.Ala751Ser (NM_001320893.1); c.2038G>T, p.Ala680Ser (NM_001375819.1); c.2140G>T, p.Ala714Ser (NM_153759.3); c.2707G>T, p.Ala903Ser (NM_175629.2); short protein forms A903S, A751S, A680S, A714S.
Identifiers: ClinVar variation 4827665 (VCV004827665.1).

ClinVar aggregate classification (germline): Uncertain significance (1 of 4 stars; one submission).

Conditions:
Inborn genetic diseases. Identifiers: MedGen C0950123, MeSH D030342.

Submission:

Ambry Genetics
Classification: Uncertain significance for Inborn genetic diseases. Last evaluated: 2026-02-23. Review status: criteria provided, single submitter. Criteria: Ambry Variant Classification Scheme 2023. Collection method: clinical testing. Allele origin: germline.
Comment: The p.A903S variant (also known as c.2707G>T), located in coding exon 22 of the DNMT3A gene, results from a G to T substitution at nucleotide position 2707. The alanine at codon 903 is replaced by serine, an amino acid with similar properties. This amino acid position is conserved. In addition, the in silico prediction for this alteration is inconclusive. Based on the available evidence, the clinical significance of this variant remains unclear.